The following is an entry in ClinVar:

NM_139321.3(ATRN):c.1375G>C (p.Val459Leu)

Gene: ATRN (attractin; plus strand). Cytogenetic location: 20p13.
Variant type: single nucleotide variant.
Coding change: c.1375G>C on transcript NM_139321.3 (MANE Select); coding-DNA position 1375, G replaced by C.
Protein change: p.Val459Leu; replaces valine 459 with leucine.
Molecular consequence: missense variant.
Genome position (GRCh38, 1-based): chr20:3,560,833, G>C. VCF-style: chr20-3560833-G-C. GRCh37 (hg19) VCF-style: chr20-3541480-G-C.
Other names: c.1027G>C, p.Val343Leu (NM_001207047.3); c.1375G>C, p.Val459Leu (NM_001323332.2, NM_139322.4); short protein forms V343L, V459L.
Identifiers: ClinVar variation 3017617 (VCV003017617.3), dbSNP rs140498520, ClinGen allele CA9744037.

ClinVar aggregate classification (germline): Uncertain significance (1 of 4 stars; one submission).

Allele frequency attached by ClinVar (database versions not stated): gnomAD 0.00005; ExAC 0.00006; ESP Exome Variant Server 0.00015.
gnomAD v4.1: 20 of 1,614,074 alleles (0.0012%); highest among the groups gnomAD compares: Non-Finnish European, 0.0017%; no homozygotes.

Submission:

Labcorp Genetics (formerly Invitae), Labcorp
Classification: Uncertain significance. Last evaluated: 2024-10-30. Review status: criteria provided, single submitter. Criteria: Invitae Variant Classification Sherloc (09022015). Collection method: clinical testing. Allele origin: germline.
Comment: This sequence change replaces valine, which is neutral and non-polar, with leucine, which is neutral and non-polar, at codon 459 of the ATRN protein (p.Val459Leu). This variant is present in population databases (rs140498520, gnomAD 0.009%). This variant has not been reported in the literature in individuals affected with ATRN-related conditions. ClinVar contains an entry for this variant (Variation ID: 3017617). An algorithm developed to predict the effect of missense changes on protein structure and function (PolyPhen-2) suggests that this variant is likely to be tolerated. In summary, the available evidence is currently insufficient to determine the role of this variant in disease. Therefore, it has been classified as a Variant of Uncertain Significance.